The following is an entry in ClinVar:

NM_005568.5(LHX1):c.853G>A (p.Glu285Lys)

Gene: LHX1 (LIM homeobox 1; plus strand). Cytogenetic location: 17q12.
Variant type: single nucleotide variant.
Coding change: c.853G>A on transcript NM_005568.5 (MANE Select); coding-DNA position 853, G replaced by A.
Protein change: p.Glu285Lys; replaces glutamic acid 285 with lysine.
Molecular consequence: missense variant.
Genome position (GRCh38, 1-based): chr17:36,942,763, G>A. VCF-style: chr17-36942763-G-A. GRCh37 (hg19) VCF-style: chr17-35300060-G-A.
Other names: short protein forms E285K.
Identifiers: ClinVar variation 4084552 (VCV004084552.8).

ClinVar aggregate classification (germline): Uncertain significance (1 of 4 stars; one submission).

Submission:

CeGaT Center for Human Genetics Tuebingen
Classification: Uncertain significance. Last evaluated: 2025-06-01. Review status: criteria provided, single submitter. Criteria: CeGaT Center For Human Genetics Tuebingen Variant Classification Criteria Version 2. Collection method: clinical testing. Allele origin: germline. Affected: yes. Observed: 1 variant allele.
Comment: LHX1: PM2, PP3